The following is an entry in ClinVar:

ClinVar aggregate classification (germline): Uncertain significance (1 of 4 stars; one submission).

Conditions:
Long QT syndrome (LQTS). Identifiers: MedGen C0023976, MeSH D008133, MONDO:0002442. Disease mechanism: loss of function. Inheritance: Various modes of inheritance.

Submission:

Labcorp Genetics (formerly Invitae), Labcorp
Classification: Uncertain significance for Long QT syndrome. Last evaluated: 2022-10-13. Review status: criteria provided, single submitter. Criteria: Invitae Variant Classification Sherloc (09022015). Collection method: clinical testing. Allele origin: germline.
Comment: In summary, the available evidence is currently insufficient to determine the role of this variant in disease. Therefore, it has been classified as a Variant of Uncertain Significance. Algorithms developed to predict the effect of missense changes on protein structure and function (SIFT, PolyPhen-2, Align-GVGD) all suggest that this variant is likely to be tolerated. This variant has not been reported in the literature in individuals affected with KCNH2-related conditions. This variant is not present in population databases (gnomAD no frequency). This sequence change replaces lysine, which is basic and polar, with asparagine, which is neutral and polar, at codon 166 of the KCNH2 protein (p.Lys166Asn).

NM_000238.4(KCNH2):c.498G>C (p.Lys166Asn)

Gene: KCNH2 (potassium voltage-gated channel subfamily H member 2; minus strand). Cytogenetic location: 7q36.1.
Variant type: single nucleotide variant.
Coding change: c.498G>C on transcript NM_000238.4 (MANE Select); coding-DNA position 498, G replaced by C.
Protein change: p.Lys166Asn; replaces lysine 166 with asparagine.
Molecular consequence: missense variant.
Genome position (GRCh38, 1-based): chr7:150,958,477, C>G on the plus strand (G>C on the coding strand, the complement: KCNH2 is on the minus strand). VCF-style: chr7-150958477-C-G. GRCh37 (hg19) VCF-style: chr7-150655565-C-G.
Other names: c.321G>C, p.Lys107Asn (NM_001406755.1); c.210G>C, p.Lys70Asn (NM_001406756.1, NM_001406753.1); c.198G>C, p.Lys66Asn (NM_001406757.1); c.498G>C, p.Lys166Asn (NM_172056.3); short protein forms K107N, K166N, K66N, K70N.
Identifiers: ClinVar variation 1721567 (VCV001721567.5), dbSNP rs2486095074, ClinGen allele CA369863525.